The following is an entry in ClinVar:

ClinVar aggregate classification (germline): Uncertain significance (1 of 4 stars; one submission).

Conditions:
Familial cancer of breast. Also called: hereditary breast carcinoma; Hereditary breast cancer; BREAST CANCER, FAMILIAL. Identifiers: Orphanet 227535, MedGen C0346153, MONDO:0016419, OMIM 114480. Disease mechanism: loss of function.

Submission:

Labcorp Genetics (formerly Invitae), Labcorp
Classification: Uncertain significance for Familial cancer of breast. Last evaluated: 2022-05-27. Review status: criteria provided, single submitter. Criteria: Invitae Variant Classification Sherloc (09022015). Collection method: clinical testing. Allele origin: germline.
Comment: A copy number gain of the genomic region encompassing the full coding sequence of the PALB2 gene has been identified. The boundaries of this event are unknown as they extend beyond the assayed region for this gene and therefore may encompass additional genes. As the precise location of this event is unknown, it may be in tandem or it may be located elsewhere in the genome. This variant has not been reported in the literature in individuals affected with PALB2-related conditions. In summary, the available evidence is currently insufficient to determine the role of this variant in disease. Therefore, it has been classified as a Variant of Uncertain Significance.

NC_000016.9:g.(?_23614634)_(23652478_?)dup

Gene: PALB2 (partner and localizer of BRCA2; minus strand). Cytogenetic location: 16p12.2.
Variant type: Duplication.
Identifiers: ClinVar variation 1042680 (VCV001042680.3).